The following is an entry in ClinVar:

NM_057175.5(NAA15):c.1795_1798del (p.Gln599fs)

Gene: NAA15 (N-alpha-acetyltransferase 15, NatA auxiliary subunit; plus strand). Cytogenetic location: 4q31.1.
Variant type: Deletion.
Coding change: c.1795_1798del on transcript NM_057175.5 (MANE Select); coding-DNA positions 1795 to 1798, 4 bases deleted (CAAA; older notation c.1795_1798delCAAA).
Protein change: p.Gln599fs; shifts the reading frame from glutamine 599.
Molecular consequence: frameshift variant.
Genome position (GRCh38, 1-based): chr4:139,370,252-139,370,255, CAAA deleted; deleting any 4 consecutive bases within chr4:139,370,249-139,370,255 gives the same sequence; the c. name uses the placement nearest the transcript's 3' end. VCF-style (leftmost placement, unchanged base first): chr4-139370248-TAAAC-T. GRCh37 (hg19) VCF-style: chr4-140291402-TAAAC-T.
Other names: c.1795_1798del, p.Gln599fs (NM_001410842.1); short protein forms Q599fs.
Identifiers: ClinVar variation 4071566 (VCV004071566.1).

ClinVar aggregate classification (germline): Pathogenic (1 of 4 stars; one submission).

Submission:

GeneDx
Classification: Pathogenic. Last evaluated: 2025-01-22. Review status: criteria provided, single submitter. Criteria: GeneDx Variant Classification Process June 2021. Collection method: clinical testing. Allele origin: germline. Affected: yes.
Comment: Identified in patients with features of NAA15-related neurodevelopmental disorder with multiple anomalies referred for genetic testing at GeneDx and in published literature (PMID: 29656860); Frameshift variant predicted to result in protein truncation or nonsense mediated decay in a gene for which loss of function is a known mechanism of disease; Not observed at significant frequency in large population cohorts (gnomAD); This variant is associated with the following publications: (PMID: 28191889, 29656860, 33004838)